The following is an entry in ClinVar:

ClinVar aggregate classification (germline): Likely benign. Review status: criteria provided, multiple submitters, no conflicts (2 of 4 stars). 6 submissions from 6 submitters: Likely benign (3). 3 of the submissions do not count toward it. Last evaluated 2024-10-30.

Conditions:
Catecholaminergic polymorphic ventricular tachycardia (CVPT). Also called: Catecholamine-induced polymorphic ventricular tachycardia. Identifiers: Orphanet 3286, MedGen C5574922, MONDO:0017990.
Cardiomyopathy (CMYO). Also called: Cardiomyopathies. Identifiers: Orphanet 167848, MedGen C0878544, MONDO:0004994, HP:0001638. Inheritance: Various modes of inheritance.
Catecholaminergic polymorphic ventricular tachycardia 1. Also called: RYR2-Related Catecholaminergic Polymorphic Ventricular Tachycardia; VENTRICULAR TACHYCARDIA, CATECHOLAMINERGIC POLYMORPHIC, 1, WITH OR WITHOUT ATRIAL DYSFUNCTION AND/OR DILATED CARDIOMYOPATHY; VENTRICULAR TACHYCARDIA, STRESS-INDUCED POLYMORPHIC 1. Identifiers: Orphanet 3286, MedGen C1631597, MONDO:0011484, OMIM 604772.

gnomAD v4.1: 5 of 1,580,566 alleles (0.00032%); highest among the groups gnomAD compares: South Asian, 0.0012%; no homozygotes.

Submissions (6):

Labcorp Genetics (formerly Invitae), Labcorp
Classification: Likely benign for Catecholaminergic polymorphic ventricular tachycardia 1. Last evaluated: 2024-10-30. Review status: criteria provided, single submitter. Criteria: Invitae Variant Classification Sherloc (09022015). Collection method: clinical testing. Allele origin: germline.

All of Us Research Program, National Institutes of Health
Classification: Likely benign for Catecholaminergic polymorphic ventricular tachycardia. Last evaluated: 2024-01-11. Review status: criteria provided, single submitter. Criteria: ACMG Guidelines, 2015. Collection method: clinical testing. Allele origin: germline. Inheritance: Autosomal dominant inheritance. Observed: 2 variant alleles, 2 heterozygotes.
Comment: This study involves interpretation of variants in research participants for the purpose of population health screening. Participant phenotype was not available at the time of variant classification. Additional details can be found in publication PMID: 35346344, PMCID: PMC8962531

Color Diagnostics, LLC DBA Color Health
Classification: Likely benign for Cardiomyopathy. Last evaluated: 2018-06-04. Review status: criteria provided, single submitter. Criteria: ACMG Guidelines, 2015. Collection method: clinical testing. Allele origin: germline.

Clinical Genetics, Academic Medical Center
Classification: Benign. Review status: no assertion criteria provided. Collection method: clinical testing. Allele origin: germline. Affected: yes. Study: VKGL Data-share Consensus. Not counted in ClinVar's aggregate classification.

Diagnostic Laboratory, Department of Genetics, University Medical Center Groningen
Classification: Likely benign. Review status: no assertion criteria provided. Collection method: clinical testing. Allele origin: germline. Affected: yes. Study: VKGL Data-share Consensus. Not counted in ClinVar's aggregate classification.

Genome Diagnostics Laboratory, University Medical Center Utrecht
Classification: Likely benign. Review status: no assertion criteria provided. Collection method: clinical testing. Allele origin: germline. Affected: yes. Study: VKGL Data-share Consensus. Not counted in ClinVar's aggregate classification.

NM_001035.3(RYR2):c.1293-14A>G

Gene: RYR2 (ryanodine receptor 2; plus strand). Cytogenetic location: 1q43.
Variant type: single nucleotide variant.
Coding change: c.1293-14A>G on transcript NM_001035.3 (MANE Select); 14 bases into the intron before coding-DNA position 1293, A replaced by G.
Molecular consequence: intron variant.
Genome position (GRCh38, 1-based): chr1:237,454,377, A>G. VCF-style: chr1-237454377-A-G. GRCh37 (hg19) VCF-style: chr1-237617677-A-G.
Other names: c.1293-14A>G (LRG_402t1).
Identifiers: ClinVar variation 628514 (VCV000628514.10), dbSNP rs752527636, ClinGen allele CA085268.